The following is an entry in ClinVar:

ClinVar aggregate classification (germline): Uncertain significance (1 of 4 stars; one submission).

Allele frequency attached by ClinVar (database versions not stated): gnomAD exomes below 0.00001; ExAC 0.00001; TOPMed 0.00002; gnomAD 0.00003.
gnomAD v4.1: 11 of 1,614,054 alleles (0.00068%); highest among the groups gnomAD compares: Admixed American, 0.0067%; no homozygotes.

Submission:

Labcorp Genetics (formerly Invitae), Labcorp
Classification: Uncertain significance. Last evaluated: 2024-10-17. Review status: criteria provided, single submitter. Criteria: Invitae Variant Classification Sherloc (09022015). Collection method: clinical testing. Allele origin: germline.
Comment: This sequence change replaces glutamic acid, which is acidic and polar, with lysine, which is basic and polar, at codon 203 of the HSPG2 protein (p.Glu203Lys). This variant is present in population databases (rs757423245, gnomAD 0.008%). This variant has not been reported in the literature in individuals affected with HSPG2-related conditions. An algorithm developed to predict the effect of missense changes on protein structure and function (PolyPhen-2) suggests that this variant is likely to be disruptive. In summary, the available evidence is currently insufficient to determine the role of this variant in disease. Therefore, it has been classified as a Variant of Uncertain Significance.

NM_005529.7(HSPG2):c.607G>A (p.Glu203Lys)

Gene: HSPG2 (heparan sulfate proteoglycan 2; minus strand). Cytogenetic location: 1p36.12.
Variant type: single nucleotide variant.
Coding change: c.607G>A on transcript NM_005529.7 (MANE Select); coding-DNA position 607, G replaced by A.
Protein change: p.Glu203Lys; replaces glutamic acid 203 with lysine.
Molecular consequence: missense variant.
Genome position (GRCh38, 1-based): chr1:21,888,034, C>T on the plus strand (G>A on the coding strand, the complement: HSPG2 is on the minus strand). VCF-style: chr1-21888034-C-T. GRCh37 (hg19) VCF-style: chr1-22214527-C-T.
Other names: c.607G>A, p.Glu203Lys (NM_001291860.2); short protein forms E203K.
Identifiers: ClinVar variation 3020880 (VCV003020880.3), dbSNP rs757423245, ClinGen allele CA673753.
Genomic context (GRCh38, chr1:21,888,034, plus strand): 5'-GCCGCCGGTCACAGCGATACTCCAGGGCCACACACTCATTGTAGCTGTGGCAGGCAAACT[C>T]GGCCTCCGTGCAGGCTCTTGGGAACTGGGGCACTGCAGGTGGAAAGGAAGCAGACTGGAG-3'
Protein context (NP_005520.4, residues 193-213): PQFPRACTEA[Glu203Lys]FACHSYNECV